The following is an entry in ClinVar:

NM_000038.6(APC):c.5414T>C (p.Phe1805Ser)

Gene: APC (APC regulator of Wnt signaling pathway; plus strand). Cytogenetic location: 5q22.2.
Variant type: single nucleotide variant.
Coding change: c.5414T>C on transcript NM_000038.6 (MANE Select); coding-DNA position 5414, T replaced by C.
Protein change: p.Phe1805Ser; replaces phenylalanine 1805 with serine.
Molecular consequence: missense variant. On other transcripts: non-coding transcript variant (2).
Genome position (GRCh38, 1-based): chr5:112,841,008, T>C. VCF-style: chr5-112841008-T-C. GRCh37 (hg19) VCF-style: chr5-112176705-T-C.
Other names: c.5414T>C, p.Phe1805Ser (NM_001127510.3, NM_001354895.2, NM_001407450.1); c.5360T>C, p.Phe1787Ser (NM_001127511.3); c.5468T>C, p.Phe1823Ser (NM_001354896.2, NM_001407447.1, NM_001407448.1 and 1 more transcripts); c.5444T>C, p.Phe1815Ser (NM_001354897.2); c.5339T>C, p.Phe1780Ser (NM_001354898.2); c.5330T>C, p.Phe1777Ser (NM_001354899.2); c.5291T>C, p.Phe1764Ser (NM_001354900.2); c.5237T>C, p.Phe1746Ser (NM_001354901.2, NM_001407453.1); and 11 more; short protein forms F1780S, F1421S, F1522S, F1645S, F1704S, F1764S, F1777S, F1787S.
Identifiers: ClinVar variation 3635486 (VCV003635486.2).
Genomic context (GRCh38, chr5:112,841,008, plus strand): 5'-ATAGGACACGTGTAAGAAAAAATGCAGACTCAAAAAATAATTTAAATGCTGAGAGAGTTT[T>C]CTCAGACAACAAAGATTCAAAGAAACAGAATTTGAAAAATAATTCCAAGGTCTTCAATGA-3'
Protein context (NP_000029.2, residues 1795-1815): SKNNLNAERV[Phe1805Ser]SDNKDSKKQN

ClinVar aggregate classification (germline): Uncertain significance (1 of 4 stars; one submission).

Conditions:
Familial adenomatous polyposis 1 (FAP1). Also called: FAMILIAL ADENOMATOUS POLYPOSIS 1, ATTENUATED; POLYPOSIS, ADENOMATOUS INTESTINAL. Identifiers: MedGen C2713442, MONDO:0021056, OMIM 175100. Disease mechanism: loss of function.

gnomAD v4.1: 1 of 1,611,640 alleles (0.000062%); highest among the groups gnomAD compares: Non-Finnish European, 0.000085%; no homozygotes.

Submission:

Labcorp Genetics (formerly Invitae), Labcorp
Classification: Uncertain significance for Familial adenomatous polyposis 1. Last evaluated: 2024-08-16. Review status: criteria provided, single submitter. Criteria: Invitae Variant Classification Sherloc (09022015). Collection method: clinical testing. Allele origin: germline.
Comment: This sequence change replaces phenylalanine, which is neutral and non-polar, with serine, which is neutral and polar, at codon 1805 of the APC protein (p.Phe1805Ser). This variant is not present in population databases (gnomAD no frequency). This variant has not been reported in the literature in individuals affected with APC-related conditions. Invitae Evidence Modeling of protein sequence and biophysical properties (such as structural, functional, and spatial information, amino acid conservation, physicochemical variation, residue mobility, and thermodynamic stability) indicates that this missense variant is not expected to disrupt APC protein function with a negative predictive value of 95%. In summary, the available evidence is currently insufficient to determine the role of this variant in disease. Therefore, it has been classified as a Variant of Uncertain Significance.